The following is an entry in ClinVar:

NM_002524.5(NRAS):c.450+3A>G

Gene: NRAS (NRAS proto-oncogene, GTPase; minus strand). Cytogenetic location: 1p13.2.
Variant type: single nucleotide variant.
Coding change: c.450+3A>G on transcript NM_002524.5 (MANE Select); 3 bases into the intron after coding-DNA position 450, A replaced by G.
Molecular consequence: intron variant.
Genome position (GRCh38, 1-based): chr1:114,709,566, T>C on the plus strand (A>G on the coding strand, the complement: NRAS is on the minus strand). VCF-style: chr1-114709566-T-C. GRCh37 (hg19) VCF-style: chr1-115252187-T-C.
Identifiers: ClinVar variation 2739681 (VCV002739681.3), dbSNP rs765687422, ClinGen allele CA1020708.

ClinVar aggregate classification (germline): Uncertain significance (1 of 4 stars; one submission).

Conditions:
RASopathy. Also called: rasopathies; Noonan spectrum disorder. Identifiers: Orphanet 536391, MedGen C5555857, MONDO:0021060.

Allele frequency attached by ClinVar (database versions not stated): gnomAD exomes 0.00001; ExAC 0.00001.
gnomAD v4.1: 8 of 1,613,152 alleles (0.0005%); highest among the groups gnomAD compares: South Asian, 0.0066%; no homozygotes.

Submission:

Labcorp Genetics (formerly Invitae), Labcorp
Classification: Uncertain significance for RASopathy. Last evaluated: 2025-08-04. Review status: criteria provided, single submitter. Criteria: Invitae Variant Classification Sherloc (09022015). Collection method: clinical testing. Allele origin: germline.
Comment: This sequence change falls in intron 4 of the NRAS gene. It does not directly change the encoded amino acid sequence of the NRAS protein. It affects a nucleotide within the consensus splice site. This variant is present in population databases (rs765687422, gnomAD 0.003%). This variant has not been reported in the literature in individuals affected with NRAS-related conditions. ClinVar contains an entry for this variant (Variation ID: 2739681). Variants that disrupt the consensus splice site are a relatively common cause of aberrant splicing (PMID: 17576681, 9536098). Algorithms developed to predict the effect of sequence changes on RNA splicing suggest that this variant is not likely to affect RNA splicing. In summary, the available evidence is currently insufficient to determine the role of this variant in disease. Therefore, it has been classified as a Variant of Uncertain Significance.

Literature cited by the submitters: PubMed 17576681; PubMed 9536098.